The following is an entry in ClinVar:

NM_000553.6(WRN):c.3935T>C (p.Val1312Ala)

Gene: WRN (WRN RecQ like helicase; plus strand). Cytogenetic location: 8p12.
Variant type: single nucleotide variant.
Coding change: c.3935T>C on transcript NM_000553.6 (MANE Select); coding-DNA position 3935, T replaced by C.
Protein change: p.Val1312Ala; replaces valine 1312 with alanine.
Molecular consequence: missense variant.
Genome position (GRCh38, 1-based): chr8:31,157,483, T>C. VCF-style: chr8-31157483-T-C. GRCh37 (hg19) VCF-style: chr8-31014999-T-C.
Other names: short protein forms V1312A.
Identifiers: ClinVar variation 644604 (VCV000644604.5), dbSNP rs1585536796, ClinGen allele CA370929524.

ClinVar aggregate classification (germline): Uncertain significance (1 of 4 stars; one submission).

Conditions:
Werner syndrome (WRN). Identifiers: Orphanet 902, MedGen C0043119, MONDO:0010196, OMIM 277700.

Submission:

Labcorp Genetics (formerly Invitae), Labcorp
Classification: Uncertain significance for Werner syndrome. Last evaluated: 2024-03-20. Review status: criteria provided, single submitter. Criteria: Invitae Variant Classification Sherloc (09022015). Collection method: clinical testing. Allele origin: germline.
Comment: This sequence change replaces valine, which is neutral and non-polar, with alanine, which is neutral and non-polar, at codon 1312 of the WRN protein (p.Val1312Ala). This variant is not present in population databases (gnomAD no frequency). This variant has not been reported in the literature in individuals affected with WRN-related conditions. ClinVar contains an entry for this variant (Variation ID: 644604). An algorithm developed to predict the effect of missense changes on protein structure and function (PolyPhen-2) suggests that this variant is likely to be disruptive. In summary, the available evidence is currently insufficient to determine the role of this variant in disease. Therefore, it has been classified as a Variant of Uncertain Significance.